The following is an entry in ClinVar:

NM_000465.4(BARD1):c.97G>T (p.Ala33Ser)

Gene: BARD1 (BRCA1 associated RING domain 1; minus strand). Cytogenetic location: 2q35.
Variant type: single nucleotide variant.
Coding change: c.97G>T on transcript NM_000465.4 (MANE Select); coding-DNA position 97, G replaced by T.
Protein change: p.Ala33Ser; replaces alanine 33 with serine.
Molecular consequence: missense variant. On other transcripts: non-coding transcript variant (3).
Genome position (GRCh38, 1-based): chr2:214,809,473, C>A on the plus strand (G>T on the coding strand, the complement: BARD1 is on the minus strand). VCF-style: chr2-214809473-C-A. GRCh37 (hg19) VCF-style: chr2-215674197-C-A.
Other names: c.97G>T, p.Ala33Ser (NM_001282543.2, NM_001282545.2, NM_001282548.2 and 1 more transcripts); short protein forms A33S.
Identifiers: ClinVar variation 1462762 (VCV001462762.9), dbSNP rs587782465, ClinGen allele CA350465047.
Genomic context (GRCh38, chr2:214,809,473, plus strand): 5'-AACGCGAGCAGCGCAGCAGCTTCTCCAGGCGGTCGAGCGCGGCGCGACTGTGGGCCCAGG[C>A]ACCGCGACCATCCGGTTCCATGGCGGGCGCGGAACGAGGCTCGTTCCCGGAGCGGATCCT-3'
Protein context (NP_000456.2, residues 23-43): APAMEPDGRG[Ala33Ser]WAHSRAALDR

ClinVar aggregate classification (germline): Uncertain significance. Review status: criteria provided, multiple submitters, no conflicts (2 of 4 stars). 2 submissions from 2 submitters: Uncertain significance (2). Last evaluated 2023-03-31.

Conditions:
Hereditary cancer-predisposing syndrome. Also called: Tumor predisposition; Hereditary neoplastic syndrome; Hereditary Cancer Syndrome; Neoplastic Syndromes, Hereditary. Identifiers: Orphanet 140162, MedGen C0027672, MeSH D009386, MONDO:0015356.
Familial cancer of breast. Also called: Hereditary breast cancer; hereditary breast carcinoma; BREAST CANCER, FAMILIAL. Identifiers: Orphanet 227535, MedGen C0346153, MONDO:0016419, OMIM 114480. Disease mechanism: loss of function.

Submissions (2):

Labcorp Genetics (formerly Invitae), Labcorp
Classification: Uncertain significance for Familial cancer of breast. Last evaluated: 2023-03-31. Review status: criteria provided, single submitter. Criteria: Invitae Variant Classification Sherloc (09022015). Collection method: clinical testing. Allele origin: germline.
Comment: An algorithm developed to predict the effect of missense changes on protein structure and function (PolyPhen-2) suggests that this variant is likely to be tolerated. ClinVar contains an entry for this variant (Variation ID: 1462762). This variant has not been reported in the literature in individuals affected with BARD1-related conditions. This variant is not present in population databases (gnomAD no frequency). This sequence change replaces alanine, which is neutral and non-polar, with serine, which is neutral and polar, at codon 33 of the BARD1 protein (p.Ala33Ser). In summary, the available evidence is currently insufficient to determine the role of this variant in disease. Therefore, it has been classified as a Variant of Uncertain Significance.

Ambry Genetics
Classification: Uncertain significance for Hereditary cancer-predisposing syndrome. Last evaluated: 2021-07-25. Review status: criteria provided, single submitter. Criteria: Ambry Variant Classification Scheme 2023. Collection method: clinical testing. Allele origin: germline.
Comment: The p.A33S variant (also known as c.97G>T), located in coding exon 1 of the BARD1 gene, results from a G to T substitution at nucleotide position 97. The alanine at codon 33 is replaced by serine, an amino acid with similar properties. This amino acid position is conserved. In addition, this alteration is predicted to be tolerated by in silico analysis. Since supporting evidence is limited at this time, the clinical significance of this alteration remains unclear.